The following is an entry in ClinVar:

ClinVar aggregate classification (germline): Uncertain significance (1 of 4 stars; one submission).

Allele frequency attached by ClinVar (database versions not stated): gnomAD exomes 0.00001 and 0.00003; TOPMed 0.00001; gnomAD 0.00003.
gnomAD v4.1: 18 of 1,550,316 alleles (0.0012%); highest among the groups gnomAD compares: Admixed American, 0.0059%; no homozygotes.

Submission:

Labcorp Genetics (formerly Invitae), Labcorp
Classification: Uncertain significance. Last evaluated: 2025-11-17. Review status: criteria provided, single submitter. Criteria: Invitae Variant Classification Sherloc (09022015). Collection method: clinical testing. Allele origin: germline.
Comment: This sequence change replaces aspartic acid, which is acidic and polar, with glycine, which is neutral and non-polar, at codon 1225 of the ERBIN protein (p.Asp1225Gly). This variant is present in population databases (no rsID available, gnomAD 0.006%). This variant has not been reported in the literature in individuals affected with ERBIN-related conditions. ClinVar contains an entry for this variant (Variation ID: 1364554). An algorithm developed to predict the effect of missense changes on protein structure and function (PolyPhen-2) suggests that this variant is likely to be disruptive. In summary, the available evidence is currently insufficient to determine the role of this variant in disease. Therefore, it has been classified as a Variant of Uncertain Significance.

NM_001253697.2(ERBIN):c.3674A>G (p.Asp1225Gly)

Gene: ERBIN (erbb2 interacting protein; plus strand). Cytogenetic location: 5q12.3.
Variant type: single nucleotide variant.
Coding change: c.3674A>G on transcript NM_001253697.2 (MANE Select); coding-DNA position 3674, A replaced by G.
Protein change: p.Asp1225Gly; replaces aspartic acid 1225 with glycine.
Molecular consequence: missense variant. On other transcripts: intron variant (5).
Genome position (GRCh38, 1-based): chr5:66,072,209, A>G. VCF-style: chr5-66072209-A-G. GRCh37 (hg19) VCF-style: chr5-65368037-A-G.
Other names: c.3778-2815A>G (NM_001253699.2); c.3634-2815A>G (NM_018695.4, NM_001253698.2); c.3634-4107A>G (NM_001006600.3); c.3622-2815A>G (NM_001253701.2); short protein forms D1225G.
Identifiers: ClinVar variation 1364554 (VCV001364554.7), dbSNP rs1314492787, ClinGen allele CA359870691.